The following is an entry in ClinVar:

ClinVar aggregate classification (germline): Pathogenic. Review status: criteria provided, single submitter (1 of 4 stars). 2 submissions from 2 submitters: Pathogenic (1). 1 of the submissions does not count toward it. Last evaluated 2024-10-28.

Conditions:
Retinitis pigmentosa 90. Identifiers: MedGen C5436588, MONDO:0033563, OMIM 619007.

Allele frequency attached by ClinVar (database versions not stated): gnomAD exomes below 0.00001.

Submissions (2):

Labcorp Genetics (formerly Invitae), Labcorp
Classification: Pathogenic. Last evaluated: 2024-10-28. Review status: criteria provided, single submitter. Criteria: Invitae Variant Classification Sherloc (09022015). Collection method: clinical testing. Allele origin: germline.
Comment: This sequence change creates a premature translational stop signal (p.Gly155*) in the IDH3A gene. It is expected to result in an absent or disrupted protein product. Loss-of-function variants in IDH3A are known to be pathogenic (PMID: 28412069). This variant is not present in population databases (gnomAD no frequency). This premature translational stop signal has been observed in individual(s) with clinical features of retinitis pigmentosa (PMID: 28412069). ClinVar contains an entry for this variant (Variation ID: 977471). For these reasons, this variant has been classified as Pathogenic.

OMIM
Classification: Pathogenic for RETINITIS PIGMENTOSA 90. Last evaluated: 2020-09-02. Review status: no assertion criteria provided. Collection method: literature only. Allele origin: germline. Not counted in ClinVar's aggregate classification.

Literature cited by the submitters: PubMed 28412069 (cited by Labcorp Genetics (formerly Invitae), Labcorp and OMIM).

NM_005530.3(IDH3A):c.463G>T (p.Gly155Ter)

Gene: IDH3A (isocitrate dehydrogenase (NAD(+)) 3 catalytic subunit alpha; plus strand). Cytogenetic location: 15q25.1.
Variant type: single nucleotide variant.
Coding change: c.463G>T on transcript NM_005530.3 (MANE Select); coding-DNA position 463, G replaced by T.
Protein change: p.Gly155Ter; replaces glycine 155 with a stop codon.
Molecular consequence: nonsense.
Genome position (GRCh38, 1-based): chr15:78,161,754, G>T. VCF-style: chr15-78161754-G-T. GRCh37 (hg19) VCF-style: chr15-78454096-G-T.
Other names: short protein forms G155*.
Identifiers: ClinVar variation 977471 (VCV000977471.6), dbSNP rs2074683444, ClinGen allele CA393542793.